The following is an entry in ClinVar:

NM_015335.5(MED13L):c.583G>A (p.Glu195Lys)

Gene: MED13L (mediator complex subunit 13L; minus strand). Cytogenetic location: 12q24.21.
Variant type: single nucleotide variant.
Coding change: c.583G>A on transcript NM_015335.5 (MANE Select); coding-DNA position 583, G replaced by A.
Protein change: p.Glu195Lys; replaces glutamic acid 195 with lysine.
Molecular consequence: missense variant.
Genome position (GRCh38, 1-based): chr12:116,022,498, C>T on the plus strand (G>A on the coding strand, the complement: MED13L is on the minus strand). VCF-style: chr12-116022498-C-T. GRCh37 (hg19) VCF-style: chr12-116460303-C-T.
Other names: short protein forms E195K.
Identifiers: ClinVar variation 1996280 (VCV001996280.4), dbSNP rs374748495, ClinGen allele CA6811638.

ClinVar aggregate classification (germline): Uncertain significance (1 of 4 stars; one submission).

Conditions:
Dextro-looped transposition of the great arteries. Also called: Dextrotransposition of the great arteries. Identifiers: Orphanet 860, MedGen C3531771, MONDO:0019443, OMIM 608808, HP:0031348.

Allele frequency attached by ClinVar (database versions not stated): ExAC 0.00001; gnomAD 0.00001; TOPMed 0.00001; ESP Exome Variant Server 0.00008.
gnomAD v4.1: 1 of 1,613,630 alleles (0.000062%); highest among the groups gnomAD compares: African/African-American, 0.0013%; no homozygotes.

Submission:

Labcorp Genetics (formerly Invitae), Labcorp
Classification: Uncertain significance for Dextro-looped transposition of the great arteries. Last evaluated: 2022-05-19. Review status: criteria provided, single submitter. Criteria: Invitae Variant Classification Sherloc (09022015). Collection method: clinical testing. Allele origin: germline.
Comment: This sequence change replaces glutamic acid, which is acidic and polar, with lysine, which is basic and polar, at codon 195 of the MED13L protein (p.Glu195Lys). This variant is not present in population databases (gnomAD no frequency). This variant has not been reported in the literature in individuals affected with MED13L-related conditions. Advanced modeling of protein sequence and biophysical properties (such as structural, functional, and spatial information, amino acid conservation, physicochemical variation, residue mobility, and thermodynamic stability) performed at Invitae indicates that this missense variant is not expected to disrupt MED13L protein function. In summary, the available evidence is currently insufficient to determine the role of this variant in disease. Therefore, it has been classified as a Variant of Uncertain Significance.